The following is an entry in ClinVar:

ClinVar aggregate classification (germline): Benign. Review status: reviewed by expert panel (3 of 4 stars). 15 submissions from 15 submitters: Benign (1). 14 of the submissions do not count toward it. Last evaluated 2015-08-10.

Conditions:
Hereditary cancer-predisposing syndrome. Also called: Hereditary Cancer Syndrome; Hereditary neoplastic syndrome; Neoplastic Syndromes, Hereditary; Tumor predisposition. Identifiers: Orphanet 140162, MedGen C0027672, MeSH D009386, MONDO:0015356.
Hereditary breast ovarian cancer syndrome. Also called: BRCA1- and BRCA2-Associated Hereditary Breast and Ovarian Cancer; Hereditary breast and ovarian cancer syndrome; Hereditary breast and ovarian cancer syndrome (HBOC); Breast and ovarian cancer; Hereditary breast and/or ovarian cancer syndrome; Hereditary breast and ovarian cancer. Identifiers: Orphanet 145, MedGen C0677776, MeSH D061325, MONDO:0003582. Disease mechanism: loss of function.
Breast-ovarian cancer, familial, susceptibility to, 1 (BROVCA1). Also called: BRCA1 Hereditary Breast and Ovarian Cancer; OVARIAN CANCER, SUSCEPTIBILITY TO. Identifiers: Orphanet 145, MedGen C2676676, MONDO:0011450, OMIM 604370. Disease mechanism: loss of function.
BRCA1-related disorder. Also called: BRCA1-related condition.

Allele frequency attached by ClinVar (database versions not stated): TOPMed 0.00003; gnomAD 0.00002; gnomAD exomes 0.00006 and 0.00004; ExAC 0.00002.
gnomAD v4.1: 99 of 1,613,526 alleles (0.0061%); highest among the groups gnomAD compares: Non-Finnish European, 0.0078%; no homozygotes.

Submissions (15):

Evidence-based Network for the Interpretation of Germline Mutant Alleles (ENIGMA)
Classification: Benign for Breast-ovarian cancer, familial 1. Last evaluated: 2015-08-10. Review status: reviewed by expert panel. Criteria: ENIGMA BRCA1/2 Classification Criteria (2015). Collection method: curation. Allele origin: germline.
Comment: IARC class based on posterior probability from multifactorial likelihood analysis, thresholds for class as per Plon et al. 2008 (PMID: 18951446). Class 1 based on posterior probability = 0.00000104

Labcorp Genetics (formerly Invitae), Labcorp
Classification: Likely benign for Hereditary breast ovarian cancer syndrome. Last evaluated: 2026-01-25. Review status: criteria provided, single submitter. Criteria: Invitae Variant Classification Sherloc (09022015). Collection method: clinical testing. Allele origin: germline. Not counted in ClinVar's aggregate classification.

ARUP Laboratories, Molecular Genetics and Genomics, ARUP Laboratories
Classification: Benign. Last evaluated: 2024-03-27. Review status: criteria provided, single submitter. Criteria: ARUP Molecular Germline Variant Investigation Process 2024. Collection method: clinical testing. Allele origin: germline. Not counted in ClinVar's aggregate classification.

Quest Diagnostics Nichols Institute San Juan Capistrano
Classification: Benign. Last evaluated: 2022-12-07. Review status: criteria provided, single submitter. Criteria: Quest Diagnostics criteria. Collection method: clinical testing. Allele origin: unknown. Not counted in ClinVar's aggregate classification.

GeneDx
Classification: Likely benign. Last evaluated: 2020-11-25. Review status: criteria provided, single submitter. Criteria: GeneDx Variant Classification Process June 2021. Collection method: clinical testing. Allele origin: germline. Affected: yes. Not counted in ClinVar's aggregate classification.
Comment: This variant is associated with the following publications: (PMID: 17924331, 15172985, 21965345, 22753008, 17305420, 25085752, 21990134, 27802165, 20516115, 26689913, 27272900)

Women's Health and Genetics/Laboratory Corporation of America, LabCorp
Classification: Benign. Last evaluated: 2017-05-26. Review status: criteria provided, single submitter. Criteria: LabCorp Variant Classification Summary - May 2015. Collection method: clinical testing. Allele origin: germline. Not counted in ClinVar's aggregate classification.
Comment: Variant summary: The BRCA1 c.5576C>G (p.Pro1859Arg) variant involves the alteration of a non-conserved nucleotide and 2/4 in silico tools (SNPsandGO not captured due to low reliability index) predict a benign outcome. Multiple functional studies support these benign predictions, to which the variant was found to act comparable to wild type function for homology directed repair and transcription activation. This variant was found in 3/120890 control chromosomes at a frequency of 0.0000248, which does not exceed the estimated maximal expected allele frequency of a pathogenic BRCA1 variant (0.0010005). Multiple publications have cited the variant in affected individuals, although with limited information (ie, lack of co-occurrence and/or cosegregation data). BIC has cited the variant to co-occur with a pathogenic BRCA2 variant, c.5073_5074insA (classified as pathogenic by LCA). Furthermore, multipe publications have predicted the variant to be "neutral," along with multiple clinical diagnostic laboratories/reputable databases classified this variant as benign. Therefore, taking all available lines of evidence into consideration, the variant of interest has been classified as Benign.

CHEO Genetics Diagnostic Laboratory, Children's Hospital of Eastern Ontario
Classification: Likely benign. Last evaluated: 2017-02-14. Review status: criteria provided, single submitter. Criteria: ACMG Guidelines, 2015. Collection method: clinical testing. Allele origin: germline. Study: The Canadian Open Genetics Repository (COGR). Not counted in ClinVar's aggregate classification.

Color Diagnostics, LLC DBA Color Health
Classification: Likely benign for Hereditary cancer-predisposing syndrome. Last evaluated: 2016-04-25. Review status: criteria provided, single submitter. Criteria: ACMG Guidelines, 2015. Collection method: clinical testing. Allele origin: germline. Not counted in ClinVar's aggregate classification.

Ambry Genetics
Classification: Benign for Hereditary cancer-predisposing syndrome. Last evaluated: 2015-10-24. Review status: criteria provided, single submitter. Criteria: Ambry Variant Classification Scheme 2023. Collection method: clinical testing. Allele origin: germline. Not counted in ClinVar's aggregate classification.

PreventionGenetics, part of Exact Sciences
Classification: Likely benign for BRCA1-related condition. Last evaluated: 2020-06-24. Review status: no assertion criteria provided. Collection method: clinical testing. Allele origin: germline. Not counted in ClinVar's aggregate classification.
Comment: This variant is classified as likely benign based on ACMG/AMP sequence variant interpretation guidelines (Richards et al. 2015 PMID: 25741868, with internal and published modifications).

Mayo Clinic Laboratories, Mayo Clinic
Classification: Likely benign. Last evaluated: 2017-09-18. Review status: no assertion criteria provided. Collection method: clinical testing. Allele origin: unknown. Not counted in ClinVar's aggregate classification.

Counsyl
Classification: Benign for Breast-ovarian cancer, familial, susceptibility to, 1. Last evaluated: 2016-09-01. Review status: no assertion criteria provided. Collection method: clinical testing. Allele origin: unknown. Not counted in ClinVar's aggregate classification.

Research Molecular Genetics Laboratory, Women's College Hospital, University of Toronto
Classification: Benign. Last evaluated: 2014-01-31. Review status: no assertion criteria provided. Collection method: research. Allele origin: germline. Affected: yes. Study: The Canadian Open Genetics Repository (COGR). Not counted in ClinVar's aggregate classification.

Breast Cancer Information Core (BIC) (BRCA1)
Classification: Uncertain significance for Breast-ovarian cancer, familial 1. Last evaluated: 2002-05-29. Review status: no assertion criteria provided. Collection method: clinical testing. Allele origin: germline. Affected: yes. Observed: 10 variant alleles. Not counted in ClinVar's aggregate classification.

Department of Pathology and Laboratory Medicine, Sinai Health System
Classification: Uncertain significance. Review status: no assertion criteria provided. Collection method: clinical testing. Allele origin: unknown. Affected: yes. Study: The Canadian Open Genetics Repository (COGR). Not counted in ClinVar's aggregate classification.

Literature cited by the submitters: PubMed 21990134 (cited by 4 submitters); PubMed 25085752 (cited by 3 submitters); PubMed 27802165 (cited by Quest Diagnostics Nichols Institute San Juan Capistrano); PubMed 27272900 (cited by 3 submitters); PubMed 20516115 (cited by 3 submitters); PubMed 17924331 (cited by 3 submitters); PubMed 17305420 (cited by Quest Diagnostics Nichols Institute San Juan Capistrano and Women's Health and Genetics/Laboratory Corporation of America, LabCorp); PubMed 15172985 (cited by Quest Diagnostics Nichols Institute San Juan Capistrano); PubMed 21965345 (cited by 3 submitters); PubMed 22753008 (cited by Quest Diagnostics Nichols Institute San Juan Capistrano and Women's Health and Genetics/Laboratory Corporation of America, LabCorp); PubMed 33471991 (cited by Quest Diagnostics Nichols Institute San Juan Capistrano); PubMed 26689913 (cited by Women's Health and Genetics/Laboratory Corporation of America, LabCorp and Counsyl); PubMed 16267036 (cited by Women's Health and Genetics/Laboratory Corporation of America, LabCorp); PubMed 15385441 (cited by Women's Health and Genetics/Laboratory Corporation of America, LabCorp); PubMed 22516946 (cited by Women's Health and Genetics/Laboratory Corporation of America, LabCorp).

NM_007294.4(BRCA1):c.5576C>G (p.Pro1859Arg)

Gene: BRCA1 (BRCA1 DNA repair associated; minus strand). Cytogenetic location: 17q21.31.
Variant type: single nucleotide variant.
Coding change: c.5576C>G on transcript NM_007294.4 (MANE Select); coding-DNA position 5576, C replaced by G.
Protein change: p.Pro1859Arg; replaces proline 1859 with arginine.
Molecular consequence: missense variant. On other transcripts: 3 prime UTR variant (1), non-coding transcript variant (1).
Genome position (GRCh38, 1-based): chr17:43,045,694, G>C on the plus strand (C>G on the coding strand, the complement: BRCA1 is on the minus strand). VCF-style: chr17-43045694-G-C. GRCh37 (hg19) VCF-style: chr17-41197711-G-C.
Other names: p.P1859R:CCC>CGC; 5695C>G; c.5429C>G, p.Pro1810Arg (NM_001407839.1, NM_001407841.1, NM_001407842.1 and 12 more transcripts); c.5450C>G, p.Pro1817Arg (NM_001407671.1, NM_001407672.1, NM_001407673.1 and 8 more transcripts); c.5573C>G, p.Pro1858Arg (NM_001407611.1, NM_001407612.1, NM_001407613.1 and 14 more transcripts); c.5570C>G, p.Pro1857Arg (NM_001407630.1, NM_001407631.1, NM_001407632.1 and 13 more transcripts); c.5498C>G, p.Pro1833Arg (NM_001407652.1, NM_001407653.1, NM_001407654.1 and 1 more transcripts); c.5495C>G, p.Pro1832Arg (NM_001407656.1, NM_001407657.1, NM_001407658.1); and 76 more; short protein forms P1859R, P1812R, P755R, P1880R, P1879R, P447R, P579R, P629R.
Identifiers: ClinVar variation 55634 (VCV000055634.36), dbSNP rs80357322, ClinGen allele CA003729.